The following is an entry in ClinVar:

NM_014159.7(SETD2):c.3187A>G (p.Arg1063Gly)

Gene: SETD2 (SET domain containing 2, histone lysine methyltransferase; minus strand). Cytogenetic location: 3p21.31.
Variant type: single nucleotide variant.
Coding change: c.3187A>G on transcript NM_014159.7 (MANE Select); coding-DNA position 3187, A replaced by G.
Protein change: p.Arg1063Gly; replaces arginine 1063 with glycine.
Molecular consequence: missense variant. On other transcripts: non-coding transcript variant (1).
Genome position (GRCh38, 1-based): chr3:47,121,449, T>C on the plus strand (A>G on the coding strand, the complement: SETD2 is on the minus strand). VCF-style: chr3-47121449-T-C. GRCh37 (hg19) VCF-style: chr3-47162939-T-C.
Other names: c.3055A>G, p.Arg1019Gly (NM_001349370.3); short protein forms R1019G, R1063G.
Identifiers: ClinVar variation 2764741 (VCV002764741.3), dbSNP rs2106650553, ClinGen allele CA352523417.

ClinVar aggregate classification (germline): Uncertain significance (1 of 4 stars; one submission).

Conditions:
Luscan-Lumish syndrome. Identifiers: Orphanet 597738, MedGen C4085873, MONDO:0014791, OMIM 616831.

Submission:

Labcorp Genetics (formerly Invitae), Labcorp
Classification: Uncertain significance for Luscan-Lumish syndrome. Last evaluated: 2023-09-30. Review status: criteria provided, single submitter. Criteria: Invitae Variant Classification Sherloc (09022015). Collection method: clinical testing. Allele origin: germline.
Comment: This sequence change replaces arginine, which is basic and polar, with glycine, which is neutral and non-polar, at codon 1063 of the SETD2 protein (p.Arg1063Gly). This variant is not present in population databases (gnomAD no frequency). This variant has not been reported in the literature in individuals affected with SETD2-related conditions. Advanced modeling of protein sequence and biophysical properties (such as structural, functional, and spatial information, amino acid conservation, physicochemical variation, residue mobility, and thermodynamic stability) performed at Invitae indicates that this missense variant is expected to disrupt SETD2 protein function. In summary, the available evidence is currently insufficient to determine the role of this variant in disease. Therefore, it has been classified as a Variant of Uncertain Significance.